The following is an entry in ClinVar:

NM_020461.4(TUBGCP6):c.2377C>T (p.Arg793Cys)

Gene: TUBGCP6 (tubulin gamma complex component 6; minus strand). Cytogenetic location: 22q13.33.
Variant type: single nucleotide variant.
Coding change: c.2377C>T on transcript NM_020461.4 (MANE Select); coding-DNA position 2377, C replaced by T.
Protein change: p.Arg793Cys; replaces arginine 793 with cysteine.
Molecular consequence: missense variant.
Genome position (GRCh38, 1-based): chr22:50,222,486, G>A on the plus strand (C>T on the coding strand, the complement: TUBGCP6 is on the minus strand). VCF-style: chr22-50222486-G-A. GRCh37 (hg19) VCF-style: chr22-50660915-G-A.
Other names: short protein forms R793C.
Identifiers: ClinVar variation 937228 (VCV000937228.6), dbSNP rs141188316, ClinGen allele CA10308256.

ClinVar aggregate classification (germline): Uncertain significance. Review status: criteria provided, multiple submitters, no conflicts (2 of 4 stars). 3 submissions from 3 submitters: Uncertain significance (3). Last evaluated 2024-07-05.

Conditions:
Inborn genetic diseases. Identifiers: MedGen C0950123, MeSH D030342.

Allele frequency attached by ClinVar (database versions not stated): TOPMed 0.00002; gnomAD 0.00001; ESP Exome Variant Server 0.00008.
gnomAD v4.1: 47 of 1,613,680 alleles (0.0029%); highest among the groups gnomAD compares: Non-Finnish European, 0.0032%; no homozygotes.

Submissions (3):

Ambry Genetics
Classification: Uncertain significance for Inborn genetic diseases. Last evaluated: 2024-07-05. Review status: criteria provided, single submitter. Criteria: Ambry Variant Classification Scheme 2023. Collection method: clinical testing. Allele origin: germline.

Labcorp Genetics (formerly Invitae), Labcorp
Classification: Uncertain significance. Last evaluated: 2022-05-25. Review status: criteria provided, single submitter. Criteria: Invitae Variant Classification Sherloc (09022015). Collection method: clinical testing. Allele origin: germline.
Comment: This sequence change replaces arginine, which is basic and polar, with cysteine, which is neutral and slightly polar, at codon 793 of the TUBGCP6 protein (p.Arg793Cys). This variant is present in population databases (rs141188316, gnomAD 0.02%). This variant has not been reported in the literature in individuals affected with TUBGCP6-related conditions. ClinVar contains an entry for this variant (Variation ID: 937228). Algorithms developed to predict the effect of missense changes on protein structure and function output the following: SIFT: "Tolerated"; PolyPhen-2: "Benign"; Align-GVGD: "Class C0". The cysteine amino acid residue is found in multiple mammalian species, which suggests that this missense change does not adversely affect protein function. In summary, the available evidence is currently insufficient to determine the role of this variant in disease. Therefore, it has been classified as a Variant of Uncertain Significance.

Breakthrough Genomics
Classification: Uncertain significance. Review status: criteria provided, single submitter. Criteria: ACMG Guidelines, 2015. Collection method: not provided. Allele origin: germline. Inheritance: Autosomal dominant inheritance. Affected: yes.